The following is an entry in ClinVar:

NM_001142864.4(PIEZO1):c.5227G>A (p.Val1743Ile)

Gene: PIEZO1 (piezo type mechanosensitive ion channel component 1 (Er blood group); minus strand). Cytogenetic location: 16q24.3.
Variant type: single nucleotide variant.
Coding change: c.5227G>A on transcript NM_001142864.4 (MANE Select); coding-DNA position 5227, G replaced by A.
Protein change: p.Val1743Ile; replaces valine 1743 with isoleucine.
Molecular consequence: missense variant.
Genome position (GRCh38, 1-based): chr16:88,721,714, C>T on the plus strand (G>A on the coding strand, the complement: PIEZO1 is on the minus strand). VCF-style: chr16-88721714-C-T. GRCh37 (hg19) VCF-style: chr16-88788122-C-T.
Other names: short protein forms V1743I.
Identifiers: ClinVar variation 4989326 (VCV004989326.1).

ClinVar aggregate classification (germline): Uncertain significance (1 of 4 stars; one submission).

Conditions:
PIEZO1-related disorder. Also called: PIEZO1-related condition; PIEZO1-Related Disorders.

gnomAD v4.1: 34 of 1,542,206 alleles (0.0022%); highest among the groups gnomAD compares: East Asian, 0.02%; no homozygotes.

Submission:

PreventionGenetics, part of Exact Sciences
Classification: Uncertain significance for PIEZO1-related condition. Last evaluated: 2025-04-17. Review status: criteria provided, single submitter. Criteria: ACMG Guidelines, 2015. Collection method: clinical testing. Allele origin: germline.
Comment: The PIEZO1 c.5227G>A variant is predicted to result in the amino acid substitution p.Val1743Ile. This variant has been reported in a cohort study with hereditary diffuse gastric cancer (Table e5, Liu et al. 2022. PubMed ID: 36484990). This variant is reported in 0.016% of alleles in individuals of East Asian descent in gnomAD. At this time, the clinical significance of this variant is uncertain due to the absence of conclusive functional and genetic evidence.